The following is an entry in ClinVar:

ClinVar aggregate classification (germline): Uncertain significance (1 of 4 stars; one submission).

gnomAD v4.1: 2 of 1,614,196 alleles (0.00012%); highest among the groups gnomAD compares: Non-Finnish European, 0.00017%; no homozygotes.

Submission:

Women's Health and Genetics/Laboratory Corporation of America, LabCorp
Classification: Uncertain significance. Last evaluated: 2024-05-31. Review status: criteria provided, single submitter. Criteria: LabCorp Variant Classification Summary - May 2015. Collection method: clinical testing. Allele origin: germline.
Comment: Variant summary: CPT1A c.205G>A (p.Val69Met) results in a conservative amino acid change in the encoded protein sequence. Three of five in-silico tools predict a benign effect of the variant on protein function. The variant allele was found at a frequency of 4e-06 in 251242 control chromosomes. The available data on variant occurrences in the general population are insufficient to allow any conclusion about variant significance. c.205G>A has been reported in the literature in association with carnitine acylcarnitine translocase in an asymptomatic infant. These report(s) do not provide unequivocal conclusions about association of the variant with Carnitine Palmitoyltransferase I Deficiency. To our knowledge, no experimental evidence demonstrating an impact on protein function has been reported. The following publication have been ascertained in the context of this evaluation (PMID: 35360862). No submitters have cited clinical-significance assessments for this variant to ClinVar. Based on the evidence outlined above, the variant was classified as uncertain significance.

Literature cited by the submitters: PubMed 35360862.

NM_001876.4(CPT1A):c.205G>A (p.Val69Met)

Gene: CPT1A (carnitine palmitoyltransferase 1A; minus strand). Cytogenetic location: 11q13.3.
Variant type: single nucleotide variant.
Coding change: c.205G>A on transcript NM_001876.4 (MANE Select); coding-DNA position 205, G replaced by A.
Protein change: p.Val69Met; replaces valine 69 with methionine.
Molecular consequence: missense variant.
Genome position (GRCh38, 1-based): chr11:68,812,513, C>T on the plus strand (G>A on the coding strand, the complement: CPT1A is on the minus strand). VCF-style: chr11-68812513-C-T. GRCh37 (hg19) VCF-style: chr11-68579981-C-T.
Other names: c.205G>A, p.Val69Met (NM_001031847.3); short protein forms V69M.
Identifiers: ClinVar variation 3336354 (VCV003336354.1).